The following is an entry in ClinVar:

NM_018136.5(ASPM):c.5947A>T (p.Met1983Leu)

Gene: ASPM (assembly factor for spindle microtubules; minus strand). Cytogenetic location: 1q31.3.
Variant type: single nucleotide variant.
Coding change: c.5947A>T on transcript NM_018136.5 (MANE Select); coding-DNA position 5947, A replaced by T.
Protein change: p.Met1983Leu; replaces methionine 1983 with leucine.
Molecular consequence: missense variant. On other transcripts: intron variant (1).
Genome position (GRCh38, 1-based): chr1:197,103,304, T>A on the plus strand (A>T on the coding strand, the complement: ASPM is on the minus strand). VCF-style: chr1-197103304-T-A. GRCh37 (hg19) VCF-style: chr1-197072434-T-A.
Other names: c.4066-7140A>T (NM_001206846.2); short protein forms M1983L.
Identifiers: ClinVar variation 157844 (VCV000157844.55), dbSNP rs141715950, ClinGen allele CA209608.

ClinVar aggregate classification (germline): Conflicting classifications of pathogenicity. Review status: criteria provided, conflicting classifications (1 of 4 stars). 12 submissions from 12 submitters: Uncertain significance (5); Likely benign (7). Last evaluated 2026-01-26.

Conditions:
ASPM-related disorder. Also called: ASPM-related condition.
Inborn genetic diseases. Identifiers: MedGen C0950123, MeSH D030342.
Microcephaly 5, primary, autosomal recessive (MCPH5). Also called: ASPM Primary Microcephaly. Identifiers: Orphanet 2512, MedGen C1837501, MONDO:0012106, OMIM 608716.

Allele frequency attached by ClinVar (database versions not stated): ESP Exome Variant Server 0.00108; gnomAD 0.00115; TOPMed 0.00123; gnomAD exomes 0.00126; ExAC 0.00133; 1000 Genomes Project 0.00060; 1000 Genomes Project 30x 0.00094.

Submissions (12):

Labcorp Genetics (formerly Invitae), Labcorp
Classification: Likely benign. Last evaluated: 2026-01-26. Review status: criteria provided, single submitter. Criteria: Invitae Variant Classification Sherloc (09022015). Collection method: clinical testing. Allele origin: germline.

CeGaT Center for Human Genetics Tuebingen
Classification: Likely benign. Last evaluated: 2026-01-01. Review status: criteria provided, single submitter. Criteria: CeGaT Center For Human Genetics Tuebingen Variant Classification Criteria Version 2. Collection method: clinical testing. Allele origin: germline. Affected: yes. Observed: 7 variant alleles.
Comment: ASPM: BP4, BS2

PreventionGenetics, part of Exact Sciences
Classification: Likely benign for ASPM-related condition. Last evaluated: 2024-12-02. Review status: criteria provided, single submitter. Criteria: ACMG Guidelines, 2015. Collection method: clinical testing. Allele origin: germline.
Comment: This variant is classified as likely benign based on ACMG/AMP sequence variant interpretation guidelines (Richards et al. 2015 PMID: 25741868, with internal and published modifications).

Blueprint Genetics
Classification: Likely benign. Last evaluated: 2024-10-21. Review status: criteria provided, single submitter. Criteria: ACMG Guidelines, 2015. Collection method: clinical testing. Allele origin: germline.

Ambry Genetics
Classification: Likely benign for Inborn genetic diseases. Last evaluated: 2024-05-03. Review status: criteria provided, single submitter. Criteria: Ambry Variant Classification Scheme 2023. Collection method: clinical testing. Allele origin: germline.

Genetic Services Laboratory, University of Chicago
Classification: Likely benign. Last evaluated: 2021-03-08. Review status: criteria provided, single submitter. Criteria: ACMG Guidelines, 2015. Collection method: clinical testing. Allele origin: germline. Affected: no.

Athena Diagnostics
Classification: Uncertain significance. Last evaluated: 2018-02-13. Review status: criteria provided, single submitter. Criteria: Athena Diagnostics Criteria. Collection method: clinical testing. Allele origin: germline.

HudsonAlpha Institute for Biotechnology
Classification: Likely benign for Microcephaly 5, primary, autosomal recessive. Last evaluated: 2017-12-05. Review status: criteria provided, single submitter. Criteria: HA_assertions_20161101. Collection method: research. Allele origin: maternal. Observed: 1 variant allele. Study: CSER-HudsonAlpha.

GeneDx
Classification: Uncertain significance. Last evaluated: 2017-09-11. Review status: criteria provided, single submitter. Criteria: GeneDx Variant Classification (06012015). Collection method: clinical testing. Allele origin: germline. Affected: yes.
Comment: A variant of uncertain significance has been identified in the ASPM gene. The M1983L variant has not been published as a pathogenic variant, nor has it been reported as a benign variant to our knowledge. The M1983L variant is observed in 139/66672 (0.2%) alleles from individuals of European background (Lek et al., 2016; 1000 Genomes Consortium et al., 2015; Exome Variant Server). The M1983L variant is a conservative amino acid substitution, which is not likely to impact secondary protein structure as these residues share similar properties. However, this substitution occurs at a position that is conserved in mammals. In silico analysis is inconsistent in its predictions as to whether or not the variant is damaging to the protein structure/function. Therefore, based on the currently available information, it is unclear whether this variant is a pathogenic variant or a rare benign variant.

Eurofins Ntd Llc (ga)
Classification: Uncertain significance. Last evaluated: 2017-06-14. Review status: criteria provided, single submitter. Criteria: EGL Classification Definitions 2015. Collection method: clinical testing. Allele origin: germline. Observed: 2 variant alleles, 2 heterozygotes.

Fulgent Genetics
Classification: Uncertain significance for Microcephaly 5, primary, autosomal recessive. Last evaluated: 2017-05-23. Review status: criteria provided, single submitter. Criteria: ACMG Guidelines, 2015. Collection method: clinical testing. Allele origin: unknown.

Illumina Laboratory Services, Illumina
Classification: Uncertain significance for Microcephaly 5, primary, autosomal recessive. Last evaluated: 2017-04-27. Review status: criteria provided, single submitter. Criteria: ICSL Variant Classification Criteria 13 December 2019. Collection method: clinical testing. Allele origin: germline.

Literature cited by the submitters: PubMed 28554332 (cited by Athena Diagnostics).